The following is an entry in ClinVar:

NM_207352.4(CYP4V2):c.1091-2A>G

Gene: CYP4V2 (cytochrome P450 family 4 subfamily V member 2; plus strand). Cytogenetic location: 4q35.2.
Variant type: single nucleotide variant.
Coding change: c.1091-2A>G on transcript NM_207352.4 (MANE Select); the canonical splice acceptor site of the intron before coding-DNA position 1091, A replaced by G.
Molecular consequence: splice acceptor variant.
Genome position (GRCh38, 1-based): chr4:186,208,863, A>G. VCF-style: chr4-186208863-A-G. GRCh37 (hg19) VCF-style: chr4-187130017-A-G.
Other names: IVS8AS, A-G, -2; ISV8-2A>G.
Identifiers: ClinVar variation 2191 (VCV000002191.21), dbSNP rs199476183, ClinGen allele CA339958.

ClinVar aggregate classification (germline): Pathogenic/Likely pathogenic. Review status: criteria provided, multiple submitters, no conflicts (2 of 4 stars). 10 submissions from 10 submitters: Pathogenic (6); Likely pathogenic (2). 2 of the submissions do not count toward it. Last evaluated 2026-01-26.

Conditions:
CYP4V2-related disorder. Also called: CYP4V2-related disorders; CYP4V2-related condition.
Retinal dystrophy. Also called: Inherited retinal dystrophy. Identifiers: Orphanet 71862, MedGen C0854723, MeSH D058499, MONDO:0019118, HP:0000556.
Bietti crystalline corneoretinal dystrophy (BCD). Also called: BIETTI TAPETORETINAL DEGENERATION WITH MARGINAL CORNEAL DYSTROPHY; Bietti Crystalline Dystrophy. Identifiers: Orphanet 41751, MedGen C1859486, MONDO:0008865, OMIM 210370.

Allele frequency attached by ClinVar (database versions not stated): gnomAD exomes 0.00001 and 0.00005; ExAC 0.00003; TOPMed 0.00004.
gnomAD v4.1: 17 of 1,614,200 alleles (0.0011%); highest among the groups gnomAD compares: East Asian, 0.027%; no homozygotes.

Submissions (10):

Medical and Scientific Branch, Hong Kong Genome Institute
Classification: Pathogenic for Bietti crystalline corneoretinal dystrophy. Last evaluated: 2026-01-26. Review status: criteria provided, single submitter. Criteria: ACMG Guidelines, 2015. Collection method: clinical testing. Allele origin: unknown. Affected: yes.

SingHealth Duke-NUS Institute of Precision Medicine
Classification: Likely pathogenic for Bietti crystalline corneoretinal dystrophy. Last evaluated: 2025-02-05. Review status: criteria provided, single submitter. Criteria: PRISM ACMG Classification Criteria. Collection method: clinical testing. Allele origin: germline. Affected: yes.
Comment: Variant is predicted to cause LOF through splicing in a gene where LOF is a known cause of pathogenicity (PVS1). Variant is not found in gnomAD genomes and homozygous allele count in gnomAD exomes are less than 0 (PM2).

Labcorp Genetics (formerly Invitae), Labcorp
Classification: Pathogenic. Last evaluated: 2024-10-21. Review status: criteria provided, single submitter. Criteria: Invitae Variant Classification Sherloc (09022015). Collection method: clinical testing. Allele origin: germline.
Comment: This sequence change affects an acceptor splice site in intron 8 of the CYP4V2 gene. It is expected to disrupt RNA splicing. Variants that disrupt the donor or acceptor splice site typically lead to a loss of protein function (PMID: 16199547), and loss-of-function variants in CYP4V2 are known to be pathogenic (PMID: 15042513, 25118264). This variant is present in population databases (rs199476183, gnomAD 0.06%). Disruption of this splice site has been observed in individual(s) with Bietti crystalline dystrophy and retinitis pigmentosa (PMID: 15042513). This variant is also known as IVS8-2A>G. ClinVar contains an entry for this variant (Variation ID: 2191). Algorithms developed to predict the effect of sequence changes on RNA splicing suggest that this variant may disrupt the consensus splice site. For these reasons, this variant has been classified as Pathogenic.

Dept Of Ophthalmology, Nagoya University
Classification: Likely pathogenic for Retinal dystrophy. Last evaluated: 2023-10-01. Review status: criteria provided, single submitter. Criteria: Submitter's publication. Collection method: research. Allele origin: germline. Affected: yes.

Blueprint Genetics
Classification: Pathogenic for CYP4V2-related disorders. Last evaluated: 2022-08-01. Review status: criteria provided, single submitter. Criteria: ACMG Guidelines, 2015. Collection method: clinical testing. Allele origin: germline. Affected: yes. Observed: 5 variant alleles.

Ocular Genomics Institute, Massachusetts Eye and Ear
Classification: Pathogenic for Bietti crystalline corneoretinal dystrophy. Last evaluated: 2021-04-08. Review status: criteria provided, single submitter. Criteria: ACMG Guidelines, 2015. Collection method: research. Allele origin: germline. Affected: yes.
Comment: Through a review of available evidence we were able to apply the following criteria: PVS1, PM2, PM3. Based on this evidence we have classified this variant as Pathogenic.

Illumina Laboratory Services, Illumina
Classification: Pathogenic for Bietti crystalline corneoretinal dystrophy. Last evaluated: 2017-04-27. Review status: criteria provided, single submitter. Criteria: ICSL Variant Classification Criteria 09 May 2019. Collection method: clinical testing. Allele origin: germline.
Comment: The CYP4V2 c.1091-2A>G variant occurs in a canonical splice site (acceptor) and is therefore predicted to disrupt or distort the normal gene product. Across a selection of available literature, the c.1091-2A>G variant has been identified in 30 individuals with retinal atrophy, Bietti crystalline dystrophy, or retinitis pigmentosa, including in a homozygous state in five individuals and in a compound heterozygous state in 25 individuals. In addition, it was reported in a heterozygous state in five unaffected family members (Li et al. 2004; Xiao et al. 2011; Wang et al. 2012; Fu et al. 2013; Meng et al. 2014). The c.1091-2A>G variant was absent from 196 controls and is reported at a frequency of 0.00035 in the East Asian population of the Exome Aggregation Consortium. Based on the potential impact of splice acceptor variants and evidence from the literature, the c.1091-2A>G variant is classified as pathogenic for Bietti crystalline dystrophy. This variant was observed by ICSL as part of a predisposition screen in an ostensibly healthy population.

Juno Genomics, Hangzhou Juno Genomics, Inc
Classification: Pathogenic for Bietti crystalline corneoretinal dystrophy. Review status: criteria provided, single submitter. Criteria: ACMG Guidelines, 2015. Collection method: clinical testing. Allele origin: germline. Affected: yes.
Comment: Null variant in a gene where loss of function (LOF) is a known mechanism of disease.;For recessive disorders, detected in trans with a pathogenic variant.;Co-segregation with disease in multiple affected family members in a gene definitively known to cause the disease.;Patient's phenotype or family history is highly specific for a disease with a single genetic etiology.;Absent from controls (or at extremely low frequency if recessive) in Genome Aggregation Database, Exome Sequencing Project, 1000 Genomes Project, or Exome Aggregation Consortium.

OMIM
Classification: Pathogenic for BIETTI CRYSTALLINE CORNEORETINAL DYSTROPHY. Last evaluated: 2013-06-14. Review status: no assertion criteria provided. Collection method: literature only. Allele origin: germline. Not counted in ClinVar's aggregate classification.

GeneReviews
Classification: Pathogenic for Bietti Crystalline Dystrophy. Last evaluated: 2012-04-12. Review status: no assertion criteria provided. Collection method: curation. Allele origin: unknown. Not counted in ClinVar's aggregate classification.
ClinVar note: Converted during submission from pathologic to Pathogenic.

Literature cited by the submitters: PubMed 16199547 (cited by Labcorp Genetics (formerly Invitae), Labcorp); PubMed 15042513 (cited by 3 submitters); PubMed 25118264 (cited by Labcorp Genetics (formerly Invitae), Labcorp); PubMed 23661369 (cited by 3 submitters); PubMed 21565171 (cited by Ocular Genomics Institute, Massachusetts Eye and Ear and Illumina Laboratory Services, Illumina); PubMed 22693542 (cited by 3 submitters); PubMed 25593508 (cited by Ocular Genomics Institute, Massachusetts Eye and Ear and Illumina Laboratory Services, Illumina); PubMed 22497028 (cited by Ocular Genomics Institute, Massachusetts Eye and Ear); PubMed 15937078 (cited by OMIM).